The following is an entry in ClinVar:

ClinVar aggregate classification (germline): Uncertain significance (1 of 4 stars; one submission).

Allele frequency attached by ClinVar (database versions not stated): gnomAD exomes below 0.00001; gnomAD 0.00001; TOPMed 0.00001; ExAC 0.00004.
gnomAD v4.1: 7 of 1,614,146 alleles (0.00043%); highest among the groups gnomAD compares: East Asian, 0.016%; no homozygotes.

Submission:

Labcorp Genetics (formerly Invitae), Labcorp
Classification: Uncertain significance. Last evaluated: 2023-12-19. Review status: criteria provided, single submitter. Criteria: Invitae Variant Classification Sherloc (09022015). Collection method: clinical testing. Allele origin: germline.
Comment: This sequence change replaces glycine, which is neutral and non-polar, with aspartic acid, which is acidic and polar, at codon 1544 of the FAT4 protein (p.Gly1544Asp). This variant is present in population databases (rs780248511, gnomAD 0.04%). This variant has not been reported in the literature in individuals affected with FAT4-related conditions. ClinVar contains an entry for this variant (Variation ID: 1900284). Advanced modeling of protein sequence and biophysical properties (such as structural, functional, and spatial information, amino acid conservation, physicochemical variation, residue mobility, and thermodynamic stability) has been performed at Invitae for this missense variant, however the output from this modeling did not meet the statistical confidence thresholds required to predict the impact of this variant on FAT4 protein function. In summary, the available evidence is currently insufficient to determine the role of this variant in disease. Therefore, it has been classified as a Variant of Uncertain Significance.

NM_001291303.3(FAT4):c.4631G>A (p.Gly1544Asp)

Gene: FAT4 (FAT atypical cadherin 4; plus strand). Cytogenetic location: 4q28.1.
Variant type: single nucleotide variant.
Coding change: c.4631G>A on transcript NM_001291303.3 (MANE Select); coding-DNA position 4631, G replaced by A.
Protein change: p.Gly1544Asp; replaces glycine 1544 with aspartic acid.
Molecular consequence: missense variant.
Genome position (GRCh38, 1-based): chr4:125,321,042, G>A. VCF-style: chr4-125321042-G-A. GRCh37 (hg19) VCF-style: chr4-126242197-G-A.
Other names: c.4631G>A, p.Gly1544Asp (NM_001291285.3, NM_024582.6); short protein forms G1544D.
Identifiers: ClinVar variation 1900284 (VCV001900284.4), dbSNP rs780248511, ClinGen allele CA3072492.